The following is an entry in ClinVar:

ClinVar aggregate classification (germline): Uncertain significance (1 of 4 stars; one submission).

Allele frequency attached by ClinVar (database versions not stated): TOPMed 0.00002; gnomAD 0.00003.
gnomAD v4.1: 7 of 1,065,302 alleles (0.00066%); highest among the groups gnomAD compares: Middle Eastern, 0.041%; no homozygotes.

Submission:

GeneDx
Classification: Uncertain significance. Last evaluated: 2016-06-15. Review status: criteria provided, single submitter. Criteria: GeneDx Variant Classification (06012015). Collection method: clinical testing. Allele origin: germline. Affected: yes.
Comment: This variant is denoted STK11 c.*35G>T and consists of a G>T nucleotide substitution 35 base pairs downstream of the translational stop codon in the 3Â’ untranslated region (3Â’UTR) of the STK11 gene. Although this variant has not, to our knowledge, been published in the literature as either a pathogenic variant or a benign polymorphism, multiple splicing models predict that this variant may damage the natural splice acceptor site for exon 10 and lead to abnormal splicing. However, in the absence of RNA or functional studies, the actual effect of this variant is unknown. The Guanine (G) nucleotide that is altered is conserved through mammals. Based on currently available information, we consider c.*35G>T to be a variant of uncertain significance.

NM_000455.5(STK11):c.*35G>T

Gene: STK11 (serine/threonine kinase 11; plus strand). Cytogenetic location: 19p13.3.
Variant type: single nucleotide variant.
Coding change: c.*35G>T on transcript NM_000455.5 (MANE Select); 35 bases downstream of the stop codon, G replaced by T.
Molecular consequence: 3 prime UTR variant.
Genome position (GRCh38, 1-based): chr19:1,227,611, G>T. VCF-style: chr19-1227611-G-T. GRCh37 (hg19) VCF-style: chr19-1227610-G-T.
Identifiers: ClinVar variation 418913 (VCV000418913.1), dbSNP rs1016942739, ClinGen allele CA16620766.